The following is an entry in ClinVar:

ClinVar aggregate classification (germline): Uncertain significance. Review status: criteria provided, multiple submitters, no conflicts (2 of 4 stars). 2 submissions from 2 submitters: Uncertain significance (2). Last evaluated 2021-11-11.

Allele frequency attached by ClinVar (database versions not stated): gnomAD exomes below 0.00001; TOPMed below 0.00001; ExAC 0.00001.
gnomAD v4.1: 6 of 1,600,722 alleles (0.00037%); highest among the groups gnomAD compares: Non-Finnish European, 0.00051%; no homozygotes.

Submissions (2):

Labcorp Genetics (formerly Invitae), Labcorp
Classification: Uncertain significance. Last evaluated: 2021-11-11. Review status: criteria provided, single submitter. Criteria: Invitae Variant Classification Sherloc (09022015). Collection method: clinical testing. Allele origin: germline.
Comment: This sequence change replaces phenylalanine, which is neutral and non-polar, with leucine, which is neutral and non-polar, at codon 97 of the TRAPPC9 protein (p.Phe97Leu). This variant is present in population databases (rs771842366, gnomAD 0.001%). This variant has not been reported in the literature in individuals affected with TRAPPC9-related conditions. ClinVar contains an entry for this variant (Variation ID: 235390). Algorithms developed to predict the effect of missense changes on protein structure and function output the following: SIFT: "Not Available"; PolyPhen-2: "Benign"; Align-GVGD: "Not Available". The leucine amino acid residue is found in multiple mammalian species, which suggests that this missense change does not adversely affect protein function. In summary, the available evidence is currently insufficient to determine the role of this variant in disease. Therefore, it has been classified as a Variant of Uncertain Significance.

Center for Pediatric Genomic Medicine, Children's Mercy Hospital and Clinics
Classification: Uncertain significance. Last evaluated: 2016-01-21. Review status: criteria provided, single submitter. Criteria: ACMG Guidelines, 2015. Collection method: clinical testing. Allele origin: germline.
ClinVar note: Converted during submission from Uncertain Significance to Uncertain significance.

NM_001160372.4(TRAPPC9):c.-6T>C

Gene: TRAPPC9 (trafficking protein particle complex subunit 9; minus strand). Cytogenetic location: 8q24.3.
Variant type: single nucleotide variant.
Coding change: c.-6T>C on transcript NM_001160372.4 (MANE Select); 6 bases upstream of the start codon, T replaced by C.
Molecular consequence: 5 prime UTR variant. On other transcripts: non-coding transcript variant (1).
Genome position (GRCh38, 1-based): chr8:140,451,379, A>G on the plus strand (T>C on the coding strand, the complement: TRAPPC9 is on the minus strand). VCF-style: chr8-140451379-A-G. GRCh37 (hg19) VCF-style: chr8-141461478-A-G.
Other names: c.-6T>C (NM_001321646.2, NM_001374682.1, NM_001374683.1 and 2 more transcripts).
Identifiers: ClinVar variation 235390 (VCV000235390.8), dbSNP rs771842366, ClinGen allele CA4893824.